The following is an entry in ClinVar:

NM_015910.7(WDPCP):c.2236G>T (p.Val746Leu)

Gene: WDPCP (WD repeat containing planar cell polarity effector; minus strand). Cytogenetic location: 2p15.
Variant type: single nucleotide variant.
Coding change: c.2236G>T on transcript NM_015910.7 (MANE Select); coding-DNA position 2236, G replaced by T.
Protein change: p.Val746Leu; replaces valine 746 with leucine.
Molecular consequence: missense variant. On other transcripts: non-coding transcript variant (3).
Genome position (GRCh38, 1-based): chr2:63,122,011, C>A on the plus strand (G>T on the coding strand, the complement: WDPCP is on the minus strand). VCF-style: chr2-63122011-C-A. GRCh37 (hg19) VCF-style: chr2-63349146-C-A.
Other names: c.1759G>T, p.Val587Leu (NM_001042692.3); c.2164G>T, p.Val722Leu (NM_001354044.2); short protein forms V587L, V722L, V746L.
Identifiers: ClinVar variation 3349208 (VCV003349208.1).

ClinVar aggregate classification (germline): Uncertain significance (0 of 4 stars; one submission).

Conditions:
WDPCP-related disorder. Also called: WDPCP-related condition.

gnomAD v4.1: 1 of 1,613,156 alleles (0.000062%); highest among the groups gnomAD compares: Non-Finnish European, 0.000085%; no homozygotes.

Submission:

PreventionGenetics, part of Exact Sciences
Classification: Uncertain significance for WDPCP-related condition. Last evaluated: 2024-05-31. Review status: no assertion criteria provided. Collection method: clinical testing. Allele origin: germline.
Comment: The WDPCP c.2236G>T variant is predicted to result in the amino acid substitution p.Val746Leu. To our knowledge, this variant has not been reported in the literature or in a large population database, indicating this variant is rare. At this time, the clinical significance of this variant is uncertain due to the absence of conclusive functional and genetic evidence.